The following is an entry in ClinVar:

NM_017763.6(RNF43):c.1731G>A (p.Gln577=)

Gene: RNF43 (ring finger protein 43; minus strand). Cytogenetic location: 17q22.
Variant type: single nucleotide variant.
Coding change: c.1731G>A on transcript NM_017763.6 (MANE Select); coding-DNA position 1731, G replaced by A.
Protein change: p.Gln577=; no amino-acid change (glutamine 577 retained).
Molecular consequence: synonymous variant.
Genome position (GRCh38, 1-based): chr17:58,358,045, C>T on the plus strand (G>A on the coding strand, the complement: RNF43 is on the minus strand). VCF-style: chr17-58358045-C-T. GRCh37 (hg19) VCF-style: chr17-56435406-C-T.
Other names: c.1731G>A, p.Gln577= (NM_001305544.3, NM_001438820.1, NM_001438821.1 and 1 more transcripts); c.1350G>A, p.Gln450= (NM_001305545.2, NM_001437987.1).
Identifiers: ClinVar variation 5042382 (VCV005042382.1).
Genomic context (GRCh38, chr17:58,358,045, plus strand): 5'-TTGCTGATCAGGAGAAGGTGGCTCTGGCTGGGGCTGTGTCCGAGGAATAGGAGGCCTGGA[C>T]TGGGGGACTCCGGTTTCTGGGCCAGGCTTCCTGCCATGCCACTGGAACCGCTTTTTGTAG-3'
Protein context (NP_060233.3, residues 567-587): RKPGPETGVP[Gln577=]SRPPIPRTQP

ClinVar aggregate classification (germline): Benign (1 of 4 stars; one submission).

Conditions:
Sessile serrated polyposis cancer syndrome (SSPCS). Identifiers: Orphanet 157798, MedGen C4310714, MONDO:0014919, OMIM 617108.

gnomAD v4.1: 1 of 1,590,354 alleles (0.000063%); highest among the groups gnomAD compares: East Asian, 0.0022%; no homozygotes.

Submission:

Myriad Genetics, Inc.
Classification: Benign for Sessile serrated polyposis cancer syndrome. Last evaluated: 2026-07-02. Review status: criteria provided, single submitter. Criteria: Myriad Autosomal Dominant, Autosomal Recessive and X-Linked Classification Criteria (2023). Collection method: clinical testing. Allele origin: unknown.
Comment: This variant is considered benign. This variant is a silent/synonymous amino acid change and it is not expected to impact splicing.